The following is an entry in ClinVar:

NM_004990.4(MARS1):c.2518C>T (p.Gln840Ter)

Gene: MARS1 (methionyl-tRNA synthetase 1; plus strand). Cytogenetic location: 12q13.3.
Variant type: single nucleotide variant.
Coding change: c.2518C>T on transcript NM_004990.4 (MANE Select); coding-DNA position 2518, C replaced by T.
Protein change: p.Gln840Ter; replaces glutamine 840 with a stop codon.
Molecular consequence: nonsense.
Genome position (GRCh38, 1-based): chr12:57,516,299, C>T. VCF-style: chr12-57516299-C-T. GRCh37 (hg19) VCF-style: chr12-57910082-C-T.
Other names: short protein forms Q840*.
Identifiers: ClinVar variation 1800202 (VCV001800202.2), dbSNP rs755435285, ClinGen allele CA6650873.

ClinVar aggregate classification (germline): Uncertain significance (1 of 4 stars; one submission).

Allele frequency attached by ClinVar (database versions not stated): gnomAD exomes below 0.00001; ExAC 0.00001.
gnomAD v4.1: 1 of 1,614,220 alleles (0.000062%); highest among the groups gnomAD compares: Non-Finnish European, 0.000085%; no homozygotes.

Submission:

Ambry Genetics
Classification: Uncertain significance. Last evaluated: 2020-12-02. Review status: criteria provided, single submitter. Criteria: Ambry Variant Classification Scheme 2023. Collection method: clinical testing. Allele origin: germline.
Comment: The p.Q840* variant (also known as c.2518C>T), located in coding exon 20 of the MARS gene, results from a C to T substitution at nucleotide position 2518. This changes the amino acid from a glutamine to a stop codon within coding exon 20. This alteration occurs at the 3' terminus of theMARS gene, is not expected to trigger nonsense-mediated mRNAdecay, and only impacts the last 6.6% (60 amino acids) of the protein. The exact functional effect of this alteration is unknown. In addition, loss of function via haploinsufficiency has not been clearly established as a mechanism of disease for autosomal dominant Charcot-Marie-Tooth disease, type 2U. Since supporting evidence is limited at this time, the clinical significance of this alteration remains unclear.